The following is an entry in ClinVar:

NM_000198.4(HSD3B2):c.621C>T (p.Asn207=)

Gene: HSD3B2 (hydroxy-delta-5-steroid dehydrogenase, 3 beta- and steroid delta-isomerase 2; plus strand). Cytogenetic location: 1p12.
Variant type: single nucleotide variant.
Coding change: c.621C>T on transcript NM_000198.4 (MANE Select); coding-DNA position 621, C replaced by T.
Protein change: p.Asn207=; no amino-acid change (asparagine 207 retained).
Molecular consequence: synonymous variant.
Genome position (GRCh38, 1-based): chr1:119,422,122, C>T. VCF-style: chr1-119422122-C-T. GRCh37 (hg19) VCF-style: chr1-119964745-C-T.
Other names: c.621C>T, p.Asn207= (NM_001166120.2).
Identifiers: ClinVar variation 292262 (VCV000292262.42), dbSNP rs143758913, ClinGen allele CA1036003.

ClinVar aggregate classification (germline): Conflicting classifications of pathogenicity. Review status: criteria provided, conflicting classifications (1 of 4 stars). 5 submissions from 5 submitters: Uncertain significance (1); Benign (1); Likely benign (2). 1 of the submissions does not count toward it. Last evaluated 2026-01-28.

Conditions:
3 beta-Hydroxysteroid dehydrogenase deficiency. Also called: 3-BETA-HSD DEFICIENCY; ADRENAL HYPERPLASIA II; 3b-hydroxysteroid dehydrogenase deficiency; ADRENAL HYPERPLASIA, CONGENITAL, DUE TO 3-BETA-HYDROXYSTEROID DEHYDROGENASE 2 DEFICIENCY; Congenital adrenal hyperplasia due to 3-beta-hydroxysteroid dehydrogenase deficiency. Identifiers: Orphanet 90791, MedGen C0342471, MeSH C538236, MONDO:0008727, OMIM 201810. Disease mechanism: loss of function.

Allele frequency attached by ClinVar (database versions not stated): 1000 Genomes Project 30x 0.00016; 1000 Genomes Project 0.00020; TOPMed 0.00060; ExAC 0.00079; gnomAD exomes 0.00080; gnomAD 0.00085 and 0.00087; ESP Exome Variant Server 0.00108.
gnomAD v4.1: 1,057 of 1,614,110 alleles (0.065%); highest among the groups gnomAD compares: Non-Finnish European, 0.076%; 4 homozygotes.

Submissions (5):

Labcorp Genetics (formerly Invitae), Labcorp
Classification: Benign. Last evaluated: 2026-01-28. Review status: criteria provided, single submitter. Criteria: Invitae Variant Classification Sherloc (09022015). Collection method: clinical testing. Allele origin: germline.

CeGaT Center for Human Genetics Tuebingen
Classification: Likely benign. Last evaluated: 2025-11-01. Review status: criteria provided, single submitter. Criteria: CeGaT Center For Human Genetics Tuebingen Variant Classification Criteria Version 2. Collection method: clinical testing. Allele origin: germline. Affected: yes. Observed: 6 variant alleles.
Comment: HSD3B2: BP4, BP7

Blueprint Genetics
Classification: Likely benign. Last evaluated: 2024-11-21. Review status: criteria provided, single submitter. Criteria: ACMG Guidelines, 2015. Collection method: clinical testing. Allele origin: germline.

Illumina Laboratory Services, Illumina
Classification: Uncertain significance for 3 beta-Hydroxysteroid dehydrogenase deficiency. Last evaluated: 2018-01-13. Review status: criteria provided, single submitter. Criteria: ICSL Variant Classification Criteria 13 December 2019. Collection method: clinical testing. Allele origin: germline.

Natera, Inc.
Classification: Benign for 3 beta hydroxysteroid dehydrogenase deficiency. Last evaluated: 2020-09-16. Review status: no assertion criteria provided. Collection method: clinical testing. Allele origin: germline. Not counted in ClinVar's aggregate classification.